The following is an entry in ClinVar:

ClinVar aggregate classification (germline): Uncertain significance (1 of 4 stars; one submission).

Allele frequency attached by ClinVar (database versions not stated): gnomAD 0.00001; gnomAD exomes 0.00001.
gnomAD v4.1: 11 of 1,605,200 alleles (0.00069%); highest among the groups gnomAD compares: Non-Finnish European, 0.00085%; no homozygotes.

Submission:

Labcorp Genetics (formerly Invitae), Labcorp
Classification: Uncertain significance. Last evaluated: 2022-01-26. Review status: criteria provided, single submitter. Criteria: Invitae Variant Classification Sherloc (09022015). Collection method: clinical testing. Allele origin: germline.
Comment: This sequence change replaces glycine, which is neutral and non-polar, with glutamic acid, which is acidic and polar, at codon 148 of the CDH23 protein (p.Gly148Glu). This variant is present in population databases (no rsID available, gnomAD 0.002%). This variant has not been reported in the literature in individuals affected with CDH23-related conditions. Algorithms developed to predict the effect of missense changes on protein structure and function are either unavailable or do not agree on the potential impact of this missense change (SIFT: "Deleterious"; PolyPhen-2: "Not Available"; Align-GVGD: "Class C0"). In summary, the available evidence is currently insufficient to determine the role of this variant in disease. Therefore, it has been classified as a Variant of Uncertain Significance.

NM_022124.6(CDH23):c.443G>A (p.Gly148Glu)

Gene: CDH23 (cadherin related 23; plus strand). Cytogenetic location: 10q22.1.
Variant type: single nucleotide variant.
Coding change: c.443G>A on transcript NM_022124.6 (MANE Select); coding-DNA position 443, G replaced by A.
Protein change: p.Gly148Glu; replaces glycine 148 with glutamic acid.
Molecular consequence: missense variant.
Genome position (GRCh38, 1-based): chr10:71,566,755, G>A. VCF-style: chr10-71566755-G-A. GRCh37 (hg19) VCF-style: chr10-73326512-G-A.
Other names: c.443G>A, p.Gly148Glu (NM_001171930.2, NM_001171931.2, NM_001171932.2 and 1 more transcripts); short protein forms G148E.
Identifiers: ClinVar variation 1914444 (VCV001914444.2), dbSNP rs1243928400, ClinGen allele CA377111718.
Genomic context (GRCh38, chr10:71,566,755, plus strand): 5'-TGCTCCGCACTGGCTCACCCTTGTACTTGCTTTGCTCTCATCCCCAGAATACACCAGTGG[G>A]GACGCCCATCTTCATCGTGAATGCCACAGACCCCGACTTGGGGGCAGGGGGCAGCGTCCT-3'
Protein context (NP_071407.4, residues 138-158): SVRIPENTPV[Gly148Glu]TPIFIVNATD